The following is an entry in ClinVar:

NM_005219.5(DIAPH1):c.650T>C (p.Ile217Thr)

Gene: DIAPH1 (diaphanous related formin 1; minus strand). Cytogenetic location: 5q31.3.
Variant type: single nucleotide variant.
Coding change: c.650T>C on transcript NM_005219.5 (MANE Select); coding-DNA position 650, T replaced by C.
Protein change: p.Ile217Thr; replaces isoleucine 217 with threonine.
Molecular consequence: missense variant.
Genome position (GRCh38, 1-based): chr5:141,582,346, A>G on the plus strand (T>C on the coding strand, the complement: DIAPH1 is on the minus strand). VCF-style: chr5-141582346-A-G. GRCh37 (hg19) VCF-style: chr5-140961913-A-G.
Other names: c.623T>C, p.Ile208Thr (NM_001079812.3); c.650T>C, p.Ile217Thr (NM_001314007.2); short protein forms I208T, I217T.
Identifiers: ClinVar variation 3750404 (VCV003750404.2).

ClinVar aggregate classification (germline): Uncertain significance (1 of 4 stars; one submission).

Conditions:
Autosomal dominant nonsyndromic hearing loss 1. Also called: KONIGSMARK SYNDROME; DEAFNESS, AUTOSOMAL DOMINANT 1, WITH OR WITHOUT THROMBOCYTOPENIA. Identifiers: Orphanet 90635, MedGen C1852282, MONDO:0007424, OMIM 124900.
Progressive microcephaly-seizures-cortical blindness-developmental delay syndrome. Also called: Seizures, cortical blindness, and microcephaly syndrome. Identifiers: Orphanet 477814, MedGen C5567650, MONDO:0014714, OMIM 616632.

gnomAD v4.1: 5 of 1,613,976 alleles (0.00031%); highest among the groups gnomAD compares: Non-Finnish European, 0.00042%; no homozygotes.

Submission:

Labcorp Genetics (formerly Invitae), Labcorp
Classification: Uncertain significance for Progressive microcephaly-seizures-cortical blindness-developmental delay syndrome; Autosomal dominant nonsyndromic hearing loss 1. Last evaluated: 2024-09-25. Review status: criteria provided, single submitter. Criteria: Invitae Variant Classification Sherloc (09022015). Collection method: clinical testing. Allele origin: germline.
Comment: This sequence change replaces isoleucine, which is neutral and non-polar, with threonine, which is neutral and polar, at codon 217 of the DIAPH1 protein (p.Ile217Thr). This variant is not present in population databases (gnomAD no frequency). This variant has not been reported in the literature in individuals affected with DIAPH1-related conditions. Experimental studies and prediction algorithms are not available or were not evaluated, and the functional significance of this variant is currently unknown. In summary, the available evidence is currently insufficient to determine the role of this variant in disease. Therefore, it has been classified as a Variant of Uncertain Significance.